The following is an entry in ClinVar:

NM_001261826.3(AP3D1):c.780C>G (p.Ile260Met)

Gene: AP3D1 (adaptor related protein complex 3 subunit delta 1; minus strand). Cytogenetic location: 19p13.3.
Variant type: single nucleotide variant.
Coding change: c.780C>G on transcript NM_001261826.3 (MANE Select); coding-DNA position 780, C replaced by G.
Protein change: p.Ile260Met; replaces isoleucine 260 with methionine.
Molecular consequence: missense variant.
Genome position (GRCh38, 1-based): chr19:2,129,116, G>C on the plus strand (C>G on the coding strand, the complement: AP3D1 is on the minus strand). VCF-style: chr19-2129116-G-C. GRCh37 (hg19) VCF-style: chr19-2129115-G-C.
Other names: c.780C>G, p.Ile260Met (NM_001374799.1, NM_003938.8); short protein forms I260M.
Identifiers: ClinVar variation 3404162 (VCV003404162.2).

ClinVar aggregate classification (germline): Uncertain significance. Review status: criteria provided, multiple submitters, no conflicts (2 of 4 stars). 2 submissions from 2 submitters: Uncertain significance (2). Last evaluated 2025-11-04.

Conditions:
Inborn genetic diseases. Identifiers: MedGen C0950123, MeSH D030342.

gnomAD v4.1: 2 of 1,593,076 alleles (0.00013%); highest among the groups gnomAD compares: African/African-American, 0.0013%; no homozygotes.

Submissions (2):

Labcorp Genetics (formerly Invitae), Labcorp
Classification: Uncertain significance. Last evaluated: 2025-11-04. Review status: criteria provided, single submitter. Criteria: Invitae Variant Classification Sherloc (09022015). Collection method: clinical testing. Allele origin: germline.
Comment: This sequence change replaces isoleucine, which is neutral and non-polar, with methionine, which is neutral and non-polar, at codon 260 of the AP3D1 protein (p.Ile260Met). This variant is not present in population databases (gnomAD no frequency). This variant has not been reported in the literature in individuals affected with AP3D1-related conditions. ClinVar contains an entry for this variant (Variation ID: 3404162). An algorithm developed to predict the effect of missense changes on protein structure and function (PolyPhen-2) suggests that this variant is likely to be disruptive. In summary, the available evidence is currently insufficient to determine the role of this variant in disease. Therefore, it has been classified as a Variant of Uncertain Significance.

Ambry Genetics
Classification: Uncertain significance for Inborn genetic diseases. Last evaluated: 2024-08-26. Review status: criteria provided, single submitter. Criteria: Ambry Variant Classification Scheme 2023. Collection method: clinical testing. Allele origin: germline.